The following is an entry in ClinVar:

NM_198578.4(LRRK2):c.7223T>C (p.Met2408Thr)

Gene: LRRK2 (leucine rich repeat kinase 2; plus strand). Cytogenetic location: 12q12.
Variant type: single nucleotide variant.
Coding change: c.7223T>C on transcript NM_198578.4 (MANE Select); coding-DNA position 7223, T replaced by C.
Protein change: p.Met2408Thr; replaces methionine 2408 with threonine.
Molecular consequence: missense variant.
Genome position (GRCh38, 1-based): chr12:40,364,883, T>C. VCF-style: chr12-40364883-T-C. GRCh37 (hg19) VCF-style: chr12-40758685-T-C.
Other names: short protein forms M2408T.
Identifiers: ClinVar variation 1757779 (VCV001757779.3), dbSNP rs2500037343, ClinGen allele CA384414620.

ClinVar aggregate classification (germline): Uncertain significance (1 of 4 stars; one submission).

Conditions:
Inborn genetic diseases. Identifiers: MedGen C0950123, MeSH D030342.

Submission:

Ambry Genetics
Classification: Uncertain significance for Inborn genetic diseases. Last evaluated: 2023-08-30. Review status: criteria provided, single submitter. Criteria: Ambry Variant Classification Scheme 2023. Collection method: clinical testing. Allele origin: germline.
Comment: The p.M2408T variant (also known as c.7223T>C), located in coding exon 49 of the LRRK2 gene, results from a T to C substitution at nucleotide position 7223. The methionine at codon 2408 is replaced by threonine, an amino acid with similar properties. This amino acid position is conserved. In addition, this alteration is predicted to be tolerated by in silico analysis. Since supporting evidence is limited at this time, the clinical significance of this alteration remains unclear.